The following is an entry in ClinVar:

NM_020975.6(RET):c.2647G>C (p.Ala883Pro)

Gene: RET (ret proto-oncogene; plus strand). Cytogenetic location: 10q11.21.
Variant type: single nucleotide variant.
Coding change: c.2647G>C on transcript NM_020975.6 (MANE Select); coding-DNA position 2647, G replaced by C.
Protein change: p.Ala883Pro; replaces alanine 883 with proline.
Molecular consequence: missense variant.
Genome position (GRCh38, 1-based): chr10:43,120,120, G>C. VCF-style: chr10-43120120-G-C. GRCh37 (hg19) VCF-style: chr10-43615568-G-C.
Other names: c.2383G>C, p.Ala795Pro (NM_001406768.1); c.1750G>C, p.Ala584Pro (NM_001406779.1, NM_001406780.1, NM_001406781.1 and 1 more transcripts); c.1621G>C, p.Ala541Pro (NM_001406783.1, NM_001406786.1); c.1657G>C, p.Ala553Pro (NM_001406784.1); c.1630G>C, p.Ala544Pro (NM_001406785.1); c.1615G>C, p.Ala539Pro (NM_001406787.1); c.2647G>C, p.Ala883Pro (NM_000323.2, NM_001406743.1, NM_001406744.1 and 4 more transcripts); c.1885G>C, p.Ala629Pro (NM_001355216.2); and 10 more; short protein forms A541P, A584P, A641P, A400P, A539P, A544P, A787P, A708P.
Identifiers: ClinVar variation 2698806 (VCV002698806.4), dbSNP rs377767428, ClinGen allele CA376557140.

ClinVar aggregate classification (germline): Uncertain significance. Review status: criteria provided, multiple submitters, no conflicts (2 of 4 stars). 2 submissions from 2 submitters: Uncertain significance (2). Last evaluated 2024-05-17.

Conditions:
Multiple endocrine neoplasia type 2B. Also called: Multiple endocrine neoplasia, type 3; MULTIPLE ENDOCRINE NEOPLASIA, TYPE IIB; MEN IIB; NEUROMATA, MUCOSAL, WITH ENDOCRINE TUMORS; WAGENMANN-FROBOESE SYNDROME; MULTIPLE ENDOCRINE NEOPLASIA, TYPE III. Identifiers: Orphanet 247709, Orphanet 653, MedGen C0025269, MeSH D018814, MONDO:0008082, OMIM 162300.
Pheochromocytoma. Also called: MAX-Related Hereditary Paraganglioma-Pheochromocytoma Syndrome. Identifiers: Orphanet 29072, MedGen C0031511, MONDO:0008233, OMIM 171300, HP:0002666.
Familial medullary thyroid carcinoma (MTC). Also called: Thyroid cancer, familial medullary; MTC, familial; Familial Medullary Thyroid Carcinoma (FMTC). Identifiers: Orphanet 653, Orphanet 99361, MedGen C1833921, MONDO:0007958, OMIM 155240.
Multiple endocrine neoplasia type 2A. Also called: MULTIPLE ENDOCRINE NEOPLASIA, TYPE IIA; PTC SYNDROME; SIPPLE SYNDROME; MEN 2A; MEN-2A syndrome; Pheochromocytoma and amyloid producing medullary thyroid carcinoma. Identifiers: Orphanet 247698, Orphanet 653, MedGen C0025268, MeSH D018813, MONDO:0008234, OMIM 171400.
Hirschsprung disease, susceptibility to, 1 (HSCR1). Also called: RET-Related Hirschsprung Disease. Identifiers: Orphanet 388, MedGen C3888239, MONDO:0007723, OMIM 142623.
Multiple endocrine neoplasia, type 2 (MEN2). Identifiers: Orphanet 653, MedGen C4048306, MONDO:0019003. Disease mechanism: gain of function.

Submissions (2):

Fulgent Genetics
Classification: Uncertain significance for Hirschsprung disease, susceptibility to, 1; Familial medullary thyroid carcinoma; Multiple endocrine neoplasia type 2B; Pheochromocytoma; Multiple endocrine neoplasia type 2A. Last evaluated: 2024-05-17. Review status: criteria provided, single submitter. Criteria: ACMG Guidelines, 2015. Collection method: clinical testing. Allele origin: germline.

Labcorp Genetics (formerly Invitae), Labcorp
Classification: Uncertain significance for Multiple endocrine neoplasia, type 2. Last evaluated: 2023-11-24. Review status: criteria provided, single submitter. Criteria: Invitae Variant Classification Sherloc (09022015). Collection method: clinical testing. Allele origin: germline.
Comment: This sequence change replaces alanine, which is neutral and non-polar, with proline, which is neutral and non-polar, at codon 883 of the RET protein (p.Ala883Pro). This variant is not present in population databases (gnomAD no frequency). This variant has not been reported in the literature in individuals affected with RET-related conditions. An algorithm developed to predict the effect of missense changes on protein structure and function (PolyPhen-2) suggests that this variant is likely to be disruptive. This variant disrupts the p.Ala883 amino acid residue in RET. Other variant(s) that disrupt this residue have been determined to be pathogenic (PMID: 9294615, 25244518, 28323957). This suggests that this residue is clinically significant, and that variants that disrupt this residue are likely to be disease-causing. In summary, the available evidence is currently insufficient to determine the role of this variant in disease. Therefore, it has been classified as a Variant of Uncertain Significance.

Literature cited by the submitters: PubMed 9294615 (cited by Labcorp Genetics (formerly Invitae), Labcorp); PubMed 25244518 (cited by Labcorp Genetics (formerly Invitae), Labcorp); PubMed 28323957 (cited by Labcorp Genetics (formerly Invitae), Labcorp).